The following is an entry in ClinVar:

ClinVar aggregate classification (germline): Pathogenic/Likely pathogenic. Review status: criteria provided, multiple submitters, no conflicts (2 of 4 stars). 5 submissions from 5 submitters: Pathogenic (1); Likely pathogenic (4). Last evaluated 2024-06-24.

Conditions:
PMM2-congenital disorder of glycosylation. Also called: Congenital disorder of glycosylation, type Ia; CDG Ia; JAEKEN SYNDROME; PHOSPHOMANNOMUTASE 2 DEFICIENCY; CARBOHYDRATE-DEFICIENT GLYCOPROTEIN SYNDROME, TYPE Ia; PMM2-CDG. Identifiers: Orphanet 79318, MedGen C0349653, MONDO:0008907, OMIM 212065.

gnomAD v4.1: 2 of 1,613,868 alleles (0.00012%); highest among the groups gnomAD compares: East Asian, 0.0022%; no homozygotes.

Submissions (5):

Labcorp Genetics (formerly Invitae), Labcorp
Classification: Pathogenic for PMM2-congenital disorder of glycosylation. Last evaluated: 2024-06-24. Review status: criteria provided, single submitter. Criteria: Invitae Variant Classification Sherloc (09022015). Collection method: clinical testing. Allele origin: germline.
Comment: This sequence change replaces aspartic acid, which is acidic and polar, with glutamic acid, which is acidic and polar, at codon 223 of the PMM2 protein (p.Asp223Glu). This variant is not present in population databases (gnomAD no frequency). This missense change has been observed in individual(s) with clinical features of autosomal recessive PMM2-congenital disorder of glycosylation (PMID: 9781039, 10602363, 11058896, 26887550). In at least one individual the data is consistent with being in trans (on the opposite chromosome) from a pathogenic variant. Advanced modeling of protein sequence and biophysical properties (such as structural, functional, and spatial information, amino acid conservation, physicochemical variation, residue mobility, and thermodynamic stability) performed at Invitae indicates that this missense variant is expected to disrupt PMM2 protein function with a positive predictive value of 95%. Experimental studies have shown that this missense change affects PMM2 function (PMID: 10602363). This variant disrupts the p.Asp223 amino acid residue in PMM2. Other variant(s) that disrupt this residue have been observed in individuals with PMM2-related conditions (PMID: 12357336), which suggests that this may be a clinically significant amino acid residue. For these reasons, this variant has been classified as Pathogenic.

Natera, Inc.
Classification: Likely pathogenic for Congenital disorder of glycosylation type 1a. Last evaluated: 2024-06-03. Review status: criteria provided, single submitter. Criteria: Natera Variant Classification Schema (03/2026). Collection method: clinical testing. Allele origin: germline.
Comment: The c.669C>A variant in PMM2 is a missense variant predicted to cause substitution of aspartic acid to glutamic acid at amino acid 223. This variant is rare in the general population with a frequency below the threshold expected for the associated phenotype(s). This variant has been observed in one or more individuals affected with the associated recessive disease, as either homozygous or compound heterozygous with a second variant (PMID: 35279850). A different variant at the same position has been determined to be Pathogenic or Likely Pathogenic. Computational prediction algorithms indicate this variant is likely to affect gene or protein function. Given the available evidence, this variant is classified as Likely Pathogenic.

Fulgent Genetics
Classification: Likely pathogenic for PMM2-congenital disorder of glycosylation. Last evaluated: 2024-03-26. Review status: criteria provided, single submitter. Criteria: ACMG Guidelines, 2015. Collection method: clinical testing. Allele origin: germline.

Women's Health and Genetics/Laboratory Corporation of America, LabCorp
Classification: Likely pathogenic for PMM2-congenital disorder of glycosylation. Last evaluated: 2024-03-22. Review status: criteria provided, single submitter. Criteria: LabCorp Variant Classification Summary - May 2015. Collection method: clinical testing. Allele origin: germline.
Comment: Variant summary: PMM2 c.669C>A (p.Asp223Glu) results in a conservative amino acid change in the encoded protein sequence. Four of five in-silico tools predict a damaging effect of the variant on protein function. The variant was absent in 251278 control chromosomes. c.669C>A has been reported in the literature in three individuals affected with autosomal recessive Congenital Disorder Of Glycosylation (example, AbuBakar_2022, Kjaergaard_1998, Ren_2015). These data indicate that the variant may be associated with disease. To our knowledge, no experimental evidence demonstrating an impact on protein function has been reported. The following publications have been ascertained in the context of this evaluation (PMID: 35279850, 10602363, 26887550). ClinVar contains an entry for this variant (Variation ID: 2677894). Based on the evidence outlined above, the variant was classified as likely pathogenic.

Juno Genomics, Hangzhou Juno Genomics, Inc
Classification: Likely pathogenic for PMM2-congenital disorder of glycosylation. Review status: criteria provided, single submitter. Criteria: ACMG Guidelines, 2015. Collection method: clinical testing. Allele origin: germline.
Comment: Absent from controls (or at extremely low frequency if recessive) in Genome Aggregation Database.;Multiple lines of computational evidence support a deleterious effect on the gene or gene product.;For recessive disorders, detected in trans with a pathogenic variant.;Patient's phenotype or family history is highly specific for a disease with a single genetic etiology.

Literature cited by the submitters: PubMed 9781039 (cited by Labcorp Genetics (formerly Invitae), Labcorp); PubMed 10602363 (cited by Labcorp Genetics (formerly Invitae), Labcorp and Women's Health and Genetics/Laboratory Corporation of America, LabCorp); PubMed 11058896 (cited by Labcorp Genetics (formerly Invitae), Labcorp); PubMed 26887550 (cited by Labcorp Genetics (formerly Invitae), Labcorp and Women's Health and Genetics/Laboratory Corporation of America, LabCorp); PubMed 12357336 (cited by Labcorp Genetics (formerly Invitae), Labcorp); PubMed 35279850 (cited by Natera, Inc. and Women's Health and Genetics/Laboratory Corporation of America, LabCorp).

NM_000303.3(PMM2):c.669C>A (p.Asp223Glu)

Gene: PMM2 (phosphomannomutase 2; plus strand). Cytogenetic location: 16p13.2.
Variant type: single nucleotide variant.
Coding change: c.669C>A on transcript NM_000303.3 (MANE Select); coding-DNA position 669, C replaced by A.
Protein change: p.Asp223Glu; replaces aspartic acid 223 with glutamic acid.
Molecular consequence: missense variant.
Genome position (GRCh38, 1-based): chr16:8,847,753, C>A. VCF-style: chr16-8847753-C-A. GRCh37 (hg19) VCF-style: chr16-8941610-C-A.
Other names: c.669C>A (NM_000303.2); short protein forms D223E.
Identifiers: ClinVar variation 2677894 (VCV002677894.11), dbSNP rs104894531, ClinGen allele CA394689458.
Genomic context (GRCh38, chr16:8,847,753, plus strand): 5'-GAGCCTTCATCTGTACTTCGTGTCTTTCCAGGGTGGCAATGACCATGAGATCTTCACAGA[C>A]CCCAGAACCATGGGCTACTCCGTGACAGCGCCTGAGGACACGCGCAGGATCTGTGAACTG-3'
Protein context (NP_000294.1, residues 213-233): PGGNDHEIFT[Asp223Glu]PRTMGYSVTA